The following is an entry in ClinVar:

ClinVar aggregate classification (germline): Likely benign. Review status: criteria provided, multiple submitters, no conflicts (2 of 4 stars). 3 submissions from 3 submitters: Likely benign (3). Last evaluated 2025-12-09.

Conditions:
COL2A1-related disorder. Also called: COL2A1-related condition; COL2A1-related disorders.

Allele frequency attached by ClinVar (database versions not stated): ExAC 0.00001; gnomAD 0.00001; gnomAD exomes 0.00001; TOPMed 0.00001; ESP Exome Variant Server 0.00008.
gnomAD v4.1: 9 of 1,614,116 alleles (0.00056%); highest among the groups gnomAD compares: Middle Eastern, 0.033%; no homozygotes.

Submissions (3):

Labcorp Genetics (formerly Invitae), Labcorp
Classification: Likely benign. Last evaluated: 2025-12-09. Review status: criteria provided, single submitter. Criteria: Invitae Variant Classification Sherloc (09022015). Collection method: clinical testing. Allele origin: germline.

PreventionGenetics, part of Exact Sciences
Classification: Likely benign for COL2A1-related condition. Last evaluated: 2025-08-26. Review status: criteria provided, single submitter. Criteria: ACMG Guidelines, 2015. Collection method: clinical testing. Allele origin: germline.
Comment: This variant is classified as likely benign based on ACMG/AMP sequence variant interpretation guidelines (Richards et al. 2015 PMID: 25741868, with internal and published modifications).

Blueprint Genetics
Classification: Likely benign. Last evaluated: 2022-04-19. Review status: criteria provided, single submitter. Criteria: ACMG Guidelines, 2015. Collection method: clinical testing. Allele origin: germline.

NM_001844.5(COL2A1):c.4231C>T (p.Leu1411=)

Gene: COL2A1 (collagen type II alpha 1 chain; minus strand). Cytogenetic location: 12q13.11.
Variant type: single nucleotide variant.
Coding change: c.4231C>T on transcript NM_001844.5 (MANE Select); coding-DNA position 4231, C replaced by T.
Protein change: p.Leu1411=; no amino-acid change (leucine 1411 retained).
Molecular consequence: synonymous variant.
Genome position (GRCh38, 1-based): chr12:47,974,175, G>A on the plus strand (C>T on the coding strand, the complement: COL2A1 is on the minus strand). VCF-style: chr12-47974175-G-A. GRCh37 (hg19) VCF-style: chr12-48367958-G-A.
Other names: c.4024C>T, p.Leu1342= (NM_033150.3); c.4231C>T (NM_001844.4).
Identifiers: ClinVar variation 1674391 (VCV001674391.10), dbSNP rs141906099, ClinGen allele CA6534516.